The following is an entry in ClinVar:

ClinVar aggregate classification (germline): Uncertain significance (1 of 4 stars; one submission).

Conditions:
MYO5B-related disorder. Also called: MYO5B-related condition.

gnomAD v4.1: 1 of 1,614,186 alleles (0.000062%); highest among the groups gnomAD compares: Admixed American, 0.0017%; no homozygotes.

Submission:

PreventionGenetics, part of Exact Sciences
Classification: Uncertain significance for MYO5B-related condition. Last evaluated: 2025-10-23. Review status: criteria provided, single submitter. Criteria: ACMG Guidelines, 2015. Collection method: clinical testing. Allele origin: germline.
Comment: The MYO5B c.2915G>A variant is predicted to result in the amino acid substitution p.Ser972Asn. To our knowledge, this variant has not been reported in the literature. This variant is reported in 0.0029% of alleles in individuals of Latino descent in gnomAD. At this time, the clinical significance of this variant is uncertain due to the absence of conclusive functional and genetic evidence.

NM_001080467.3(MYO5B):c.2915G>A (p.Ser972Asn)

Gene: MYO5B (myosin VB; minus strand). Cytogenetic location: 18q21.1.
Variant type: single nucleotide variant.
Coding change: c.2915G>A on transcript NM_001080467.3 (MANE Select); coding-DNA position 2915, G replaced by A.
Protein change: p.Ser972Asn; replaces serine 972 with asparagine.
Molecular consequence: missense variant.
Genome position (GRCh38, 1-based): chr18:49,895,071, C>T on the plus strand (G>A on the coding strand, the complement: MYO5B is on the minus strand). VCF-style: chr18-49895071-C-T. GRCh37 (hg19) VCF-style: chr18-47421441-C-T.
Other names: short protein forms S972N.
Identifiers: ClinVar variation 4992256 (VCV004992256.1).
Genomic context (GRCh38, chr18:49,895,071, plus strand): 5'-AGCTCTGTGCGCAGGCTCTCCACCTCCTCCTGCAGCCTGAGGCTGGTGTCCTCACCTGGG[C>T]TCTGCTGGTAGTGCACCAGCTCCTTCTTCAGCCGCTCTACCTCCATGGTGTATGTTGAGG-3'
Protein context (NP_001073936.1, residues 962-982): LKKELVHYQQ[Ser972Asn]PGEDTSLRLQ